The following is an entry in ClinVar:

NM_007294.4(BRCA1):c.957C>T (p.Asn319=)

Gene: BRCA1 (BRCA1 DNA repair associated; minus strand). Cytogenetic location: 17q21.31.
Variant type: single nucleotide variant.
Coding change: c.957C>T on transcript NM_007294.4 (MANE Select); coding-DNA position 957, C replaced by T.
Protein change: p.Asn319=; no amino-acid change (asparagine 319 retained).
Molecular consequence: synonymous variant. On other transcripts: intron variant (137).
Genome position (GRCh38, 1-based): chr17:43,094,574, G>A on the plus strand (C>T on the coding strand, the complement: BRCA1 is on the minus strand). VCF-style: chr17-43094574-G-A. GRCh37 (hg19) VCF-style: chr17-41246591-G-A.
Other names: c.816C>T, p.Asn272= (NM_001407736.1, NM_001407737.1, NM_001407738.1 and 29 more transcripts); c.813C>T, p.Asn271= (NM_001407743.1, NM_001407744.1, NM_001407745.1 and 20 more transcripts); c.577+170C>T (NM_001408478.1, NM_001408514.1, NM_001408485.1 and 9 more transcripts); c.661+170C>T (NM_001408450.1, NM_001408434.1, NM_001408447.1 and 6 more transcripts); c.784+170C>T (NM_001408398.1, NM_001407992.1, NM_001408400.1 and 13 more transcripts); c.664+170C>T (NM_001408440.1, NM_001408428.1, NM_001408441.1 and 12 more transcripts); c.670+1272C>T (NM_001408418.1, NM_001408423.1, NM_001408420.1 and 2 more transcripts); c.787+170C>T (NM_001407981.1, NM_007298.4, NM_001407978.1 and 19 more transcripts); and 40 more.
Identifiers: ClinVar variation 392036 (VCV000392036.23), dbSNP rs1057524333, ClinGen allele CA16607674.
Genomic context (GRCh38, chr17:43,094,574, plus strand): 5'-CTTTTTTTCTGTGCTGGGAGTCCGCCTATCATTACATGTTTCCTTACTTCCAGCCCATCT[G>A]TTATGTTGGCTCCTTGCTAAGCCAGGCTGTTTGCTTTTATTACAGAATTCAGCCTTTTCT-3'
Protein context (NP_009225.1, residues 309-329): KQPGLARSQH[Asn319=]RWAGSKETCN

ClinVar aggregate classification (germline): Likely benign. Review status: criteria provided, multiple submitters, no conflicts (2 of 4 stars). 7 submissions from 7 submitters: Likely benign (7). Last evaluated 2025-10-24.

Conditions:
Hereditary cancer-predisposing syndrome. Also called: Neoplastic Syndromes, Hereditary; Hereditary Cancer Syndrome; Tumor predisposition; Hereditary neoplastic syndrome. Identifiers: Orphanet 140162, MedGen C0027672, MeSH D009386, MONDO:0015356.
Hereditary breast ovarian cancer syndrome. Also called: BRCA1- and BRCA2-Associated Hereditary Breast and Ovarian Cancer; Hereditary breast and ovarian cancer syndrome (HBOC); Hereditary breast and ovarian cancer; Breast and ovarian cancer; Hereditary breast and/or ovarian cancer syndrome; Hereditary breast and ovarian cancer syndrome. Identifiers: Orphanet 145, MedGen C0677776, MeSH D061325, MONDO:0003582. Disease mechanism: loss of function.

Allele frequency attached by ClinVar (database versions not stated): gnomAD exomes 0.00001.

Submissions (7):

Women's Health and Genetics/Laboratory Corporation of America, LabCorp
Classification: Likely benign. Last evaluated: 2025-10-24. Review status: criteria provided, single submitter. Criteria: LabCorp Variant Classification Summary - May 2015. Collection method: clinical testing. Allele origin: germline.

Center for Genomic Medicine, Rigshospitalet, Copenhagen University Hospital
Classification: Likely benign. Last evaluated: 2025-03-04. Review status: criteria provided, single submitter. Criteria: ACMG Guidelines, 2015. Collection method: clinical testing. Allele origin: germline.

Labcorp Genetics (formerly Invitae), Labcorp
Classification: Likely benign for Hereditary breast ovarian cancer syndrome. Last evaluated: 2023-12-24. Review status: criteria provided, single submitter. Criteria: Invitae Variant Classification Sherloc (09022015). Collection method: clinical testing. Allele origin: germline.

Ambry Genetics
Classification: Likely benign for Hereditary cancer-predisposing syndrome. Last evaluated: 2023-07-13. Review status: criteria provided, single submitter. Criteria: Ambry Variant Classification Scheme 2023. Collection method: clinical testing. Allele origin: germline.

Sema4
Classification: Likely benign for Hereditary cancer-predisposing syndrome. Last evaluated: 2021-11-19. Review status: criteria provided, single submitter. Criteria: Sema4 Curation Guidelines. Collection method: curation. Allele origin: germline.

Color Diagnostics, LLC DBA Color Health
Classification: Likely benign for Hereditary cancer-predisposing syndrome. Last evaluated: 2018-01-25. Review status: criteria provided, single submitter. Criteria: ACMG Guidelines, 2015. Collection method: clinical testing. Allele origin: germline.

GeneDx
Classification: Likely benign. Last evaluated: 2016-12-16. Review status: criteria provided, single submitter. Criteria: GeneDx Variant Classification (06012015). Collection method: clinical testing. Allele origin: germline. Affected: yes.
Comment: This variant is considered likely benign or benign based on one or more of the following criteria: it is a conservative change, it occurs at a poorly conserved position in the protein, it is predicted to be benign by multiple in silico algorithms, and/or has population frequency not consistent with disease.